The following is an entry in ClinVar:

ClinVar aggregate classification (germline): Uncertain significance (1 of 4 stars; one submission).

Conditions:
Spastic paraplegia. Identifiers: MedGen C0037772, HP:0001258.

Allele frequency attached by ClinVar (database versions not stated): gnomAD exomes below 0.00001.
gnomAD v4.1: 2 of 1,614,216 alleles (0.00012%); highest among the groups gnomAD compares: East Asian, 0.0045%; no homozygotes.

Submission:

Labcorp Genetics (formerly Invitae), Labcorp
Classification: Uncertain significance for Spastic paraplegia. Last evaluated: 2022-01-16. Review status: criteria provided, single submitter. Criteria: Invitae Variant Classification Sherloc (09022015). Collection method: clinical testing. Allele origin: germline.
Comment: This sequence change replaces asparagine, which is neutral and polar, with lysine, which is basic and polar, at codon 785 of the ZFYVE26 protein (p.Asn785Lys). This variant is not present in population databases (gnomAD no frequency). This variant has not been reported in the literature in individuals affected with ZFYVE26-related conditions. Algorithms developed to predict the effect of missense changes on protein structure and function output the following: SIFT: "Tolerated"; PolyPhen-2: "Benign"; Align-GVGD: "Class C0". The lysine amino acid residue is found in multiple mammalian species, which suggests that this missense change does not adversely affect protein function. In summary, the available evidence is currently insufficient to determine the role of this variant in disease. Therefore, it has been classified as a Variant of Uncertain Significance.

NM_015346.4(ZFYVE26):c.2355C>A (p.Asn785Lys)

Gene: ZFYVE26 (zinc finger FYVE-type containing 26; minus strand). Cytogenetic location: 14q24.1.
Variant type: single nucleotide variant.
Coding change: c.2355C>A on transcript NM_015346.4 (MANE Select); coding-DNA position 2355, C replaced by A.
Protein change: p.Asn785Lys; replaces asparagine 785 with lysine.
Molecular consequence: missense variant.
Genome position (GRCh38, 1-based): chr14:67,794,217, G>T on the plus strand (C>A on the coding strand, the complement: ZFYVE26 is on the minus strand). VCF-style: chr14-67794217-G-T. GRCh37 (hg19) VCF-style: chr14-68260934-G-T.
Other names: short protein forms N785K.
Identifiers: ClinVar variation 2148550 (VCV002148550.1), dbSNP rs1371849482, ClinGen allele CA390174620.